The following is an entry in ClinVar:

NM_001375765.1(GIGYF1):c.669C>T (p.Gly223=)

Gene: GIGYF1 (GRB10 interacting GYF protein 1; minus strand). Cytogenetic location: 7q22.1.
Variant type: single nucleotide variant.
Coding change: c.669C>T on transcript NM_001375765.1 (MANE Select); coding-DNA position 669, C replaced by T.
Protein change: p.Gly223=; no amino-acid change (glycine 223 retained).
Molecular consequence: synonymous variant. On other transcripts: non-coding transcript variant (1).
Genome position (GRCh38, 1-based): chr7:100,686,674, G>A on the plus strand (C>T on the coding strand, the complement: GIGYF1 is on the minus strand). VCF-style: chr7-100686674-G-A. GRCh37 (hg19) VCF-style: chr7-100284297-G-A.
Other names: NM_022574.4:c.669C>T; NC_000007.13:g.100284297G>A; c.669C>T, p.Gly223= (NM_001375759.1, NM_001375760.1, NM_001375761.1 and 6 more transcripts).
Identifiers: ClinVar variation 3039824 (VCV003039824.4), dbSNP rs114782558, ClinGen allele CA4388903.

ClinVar aggregate classification (germline): Likely benign. Review status: criteria provided, single submitter (1 of 4 stars). 2 submissions from 2 submitters: Likely benign (1). 1 of the submissions does not count toward it. Last evaluated 2024-10-31.

Conditions:
GIGYF1-related disorder. Also called: GIGYF1-related condition.

Allele frequency attached by ClinVar (database versions not stated): ExAC 0.00072; 1000 Genomes Project 0.00160; 1000 Genomes Project 30x 0.00172; gnomAD 0.00193; TOPMed 0.00217; ESP Exome Variant Server 0.00254.
gnomAD v4.1: 618 of 1,612,356 alleles (0.038%); highest among the groups gnomAD compares: African/African-American, 0.69%; 5 homozygotes.

Submissions (5):

Blueprint Genetics
Classification: Likely benign. Last evaluated: 2024-10-31. Review status: criteria provided, single submitter. Criteria: ACMG Guidelines, 2015. Collection method: clinical testing. Allele origin: germline.

PreventionGenetics, part of Exact Sciences
Classification: Likely benign for GIGYF1-related condition. Last evaluated: 2024-01-17. Review status: no assertion criteria provided. Collection method: clinical testing. Allele origin: germline. Not counted in ClinVar's aggregate classification.
Comment: This variant is classified as likely benign based on ACMG/AMP sequence variant interpretation guidelines (Richards et al. 2015 PMID: 25741868, with internal and published modifications).

Dr. Peter K. Rogan Lab, Western University
No classification provided (evidence only). Condition: Familial cancer of breast. Review status: no classification provided. Collection method: in vitro. Allele origin: not applicable. Functional consequence: retained intron. Not counted in ClinVar's aggregate classification.

Dr. Peter K. Rogan Lab, Western University
No classification provided (evidence only). Condition: Colorectal cancer. Review status: no classification provided. Collection method: in vitro. Allele origin: not applicable. Functional consequence: retained intron. Not counted in ClinVar's aggregate classification.

Dr. Peter K. Rogan Lab, Western University
No classification provided (evidence only). Condition: Cholangiocarcinoma. Review status: no classification provided. Collection method: in vitro. Allele origin: not applicable. Functional consequence: retained intron. Not counted in ClinVar's aggregate classification.